The following is an entry in ClinVar:

ClinVar aggregate classification (germline): Uncertain significance. Review status: criteria provided, multiple submitters, no conflicts (2 of 4 stars). 3 submissions from 3 submitters: Uncertain significance (2). 1 of the submissions does not count toward it. Last evaluated 2024-04-10.

Conditions:
Muscle eye brain disease (MEB). Also called: Santavuori congenital muscular dystrophy. Identifiers: Orphanet 588, Orphanet 899, MedGen C0457133, MONDO:0018939.
Autosomal recessive limb-girdle muscular dystrophy type 2O. Also called: Limb-Girdle Muscular Dystrophy Type 3C; MUSCULAR DYSTROPHY-DYSTROGLYCANOPATHY (LIMB-GIRDLE), TYPE C, 3; MUSCULAR DYSTROPHY-DYSTROGLYCANOPATHY, LIMB-GIRDLE, POMGNT1-RELATED. Identifiers: Orphanet 206564, MedGen C3150417, MONDO:0013161, OMIM 613157.
Muscular dystrophy-dystroglycanopathy (congenital with impaired intellectual development), type B, 3. Also called: MUSCULAR DYSTROPHY, CONGENITAL, POMGNT1-RELATED; Muscular dystrophy-dystroglycanopathy (congenital with intellectual disability), type B3. Identifiers: MedGen C3150412, MONDO:0013155, OMIM 613151.

Allele frequency attached by ClinVar (database versions not stated): ExAC 0.00003; gnomAD exomes 0.00006.
gnomAD v4.1: 48 of 1,614,072 alleles (0.003%); highest among the groups gnomAD compares: Non-Finnish European, 0.0015%; no homozygotes.

Submissions (3):

Labcorp Genetics (formerly Invitae), Labcorp
Classification: Uncertain significance for Autosomal recessive limb-girdle muscular dystrophy type 2O; Muscular dystrophy-dystroglycanopathy (congenital with impaired intellectual development), type B, 3. Last evaluated: 2024-04-10. Review status: criteria provided, single submitter. Criteria: Invitae Variant Classification Sherloc (09022015). Collection method: clinical testing. Allele origin: germline.
Comment: This sequence change replaces serine, which is neutral and polar, with phenylalanine, which is neutral and non-polar, at codon 329 of the POMGNT1 protein (p.Ser329Phe). This variant is present in population databases (rs772102300, gnomAD 0.05%). This variant has not been reported in the literature in individuals affected with POMGNT1-related conditions. ClinVar contains an entry for this variant (Variation ID: 1005472). Advanced modeling of protein sequence and biophysical properties (such as structural, functional, and spatial information, amino acid conservation, physicochemical variation, residue mobility, and thermodynamic stability) performed at Invitae indicates that this missense variant is not expected to disrupt POMGNT1 protein function with a negative predictive value of 95%. In summary, the available evidence is currently insufficient to determine the role of this variant in disease. Therefore, it has been classified as a Variant of Uncertain Significance.

Blueprint Genetics
Classification: Uncertain significance. Last evaluated: 2024-03-28. Review status: criteria provided, single submitter. Criteria: ACMG Guidelines, 2015. Collection method: clinical testing. Allele origin: germline.

Natera, Inc.
Classification: Uncertain significance for Muscle-eye-brain disease. Last evaluated: 2020-05-13. Review status: no assertion criteria provided. Collection method: clinical testing. Allele origin: germline. Not counted in ClinVar's aggregate classification.

NM_017739.4(POMGNT1):c.986C>T (p.Ser329Phe)

Genes: POMGNT1 (protein O-linked mannose N-acetylglucosaminyltransferase 1 (beta 1,2-); minus strand), TSPAN1 (tetraspanin 1; plus strand). Cytogenetic location: 1p34.1.
Variant type: single nucleotide variant.
Coding change: c.986C>T on transcript NM_017739.4 (MANE Select); coding-DNA position 986, C replaced by T.
Protein change: p.Ser329Phe; replaces serine 329 with phenylalanine.
Molecular consequence: missense variant.
Genome position (GRCh38, 1-based): chr1:46,193,604, G>A on the plus strand (C>T on the coding strand, the complement: POMGNT1 is on the minus strand). VCF-style: chr1-46193604-G-A. GRCh37 (hg19) VCF-style: chr1-46659276-G-A.
Other names: c.986C>T, p.Ser329Phe (NM_001243766.2, NM_001410783.1); c.920C>T, p.Ser307Phe (NM_001290129.3); c.557C>T, p.Ser186Phe (NM_001290130.2); short protein forms S186F, S307F, S329F.
Identifiers: ClinVar variation 1005472 (VCV001005472.5), dbSNP rs772102300, ClinGen allele CA833542.